The following is an entry in ClinVar:

ClinVar aggregate classification (germline): Pathogenic/Likely pathogenic. Review status: criteria provided, multiple submitters, no conflicts (2 of 4 stars). 4 submissions from 4 submitters: Pathogenic (3); Likely pathogenic (1). Last evaluated 2024-10-28.

Conditions:
Tumoral calcinosis, hyperphosphatemic, familial, 1. Also called: HYPEROSTOSIS WITH HYPERPHOSPHATEMIA; HYPEROSTOSIS-HYPERPHOSPHATEMIA SYNDROME; CORTICAL HYPEROSTOSIS WITH HYPERPHOSPHATEMIA; CALCINOSIS, TUMORAL, WITH HYPERPHOSPHATEMIA; LIPOCALCINOGRANULOMATOSIS; MORBUS TEUTSCHLAENDER. Identifiers: Orphanet 53715, MedGen C4692564, MONDO:0100252, OMIM 211900.

Allele frequency attached by ClinVar (database versions not stated): gnomAD exomes 0.00001 and 0.00005; gnomAD 0.00002; TOPMed 0.00004.

Submissions (4):

Labcorp Genetics (formerly Invitae), Labcorp
Classification: Pathogenic. Last evaluated: 2024-10-28. Review status: criteria provided, single submitter. Criteria: Invitae Variant Classification Sherloc (09022015). Collection method: clinical testing. Allele origin: germline.
Comment: This sequence change creates a premature translational stop signal (p.Tyr298Thrfs*5) in the GALNT3 gene. It is expected to result in an absent or disrupted protein product. Loss-of-function variants in GALNT3 are known to be pathogenic (PMID: 15133511, 20358599). This variant is present in population databases (rs762936774, gnomAD 0.003%). This premature translational stop signal has been observed in individual(s) with tumoral calcinosis (PMID: 27164190). ClinVar contains an entry for this variant (Variation ID: 497358). For these reasons, this variant has been classified as Pathogenic.

Fulgent Genetics
Classification: Pathogenic for Tumoral calcinosis, hyperphosphatemic, familial, 1. Last evaluated: 2024-05-30. Review status: criteria provided, single submitter. Criteria: ACMG Guidelines, 2015. Collection method: clinical testing. Allele origin: germline.

Victorian Clinical Genetics Services, Murdoch Childrens Research Institute
Classification: Pathogenic for Tumoral calcinosis, hyperphosphatemic, familial, 1. Last evaluated: 2022-02-02. Review status: criteria provided, single submitter. Criteria: ACMG Guidelines, 2015. Collection method: clinical testing. Allele origin: germline. Inheritance: Autosomal recessive inheritance.
Comment: Based on the classification scheme VCGS_Germline_v1.3.4, this variant is classified as Pathogenic. Following criteria are met: 0102 - Loss of function is a known mechanism of disease in this gene and is associated with hyperphosphatemic familial tumoral calcinosis 1 (MIM#211900). (I) 0106 - This gene is associated with autosomal recessive disease. (I) 0115 - Variants in this gene are known to have variable expressivity. Tumoral calcinosis (TC) and hyperostosis-hyperphosphatemia syndrome (HHS) are a continuous spectrum. TC is characterized by the presence of ectopic calcifications around major joints, whereas HHS is characterized by recurrent long bone lesions with hyperostosis (PMID: 20358599). (I) 0201 - Variant is predicted to cause nonsense-mediated decay (NMD) and loss of protein (premature termination codon is located at least 54 nucleotides upstream of the final exon-exon junction). (SP) 0251 - This variant is heterozygous. (I) 0304 - Variant is present in gnomAD <0.01 for a recessive condition (v3: 3 heterozygotes, 0 homozygotes). (SP) 0701 - Other variants predicted to result in NMD comparable to the one identified in this case have very strong previous evidence for pathogenicity (PMID: 27867679, ClinVar, DECIPHER). (SP) 0803 - This variant has limited previous evidence of pathogenicity in unrelated individuals. It has been reported likely pathogenic in ClinVar and detected in a compound heterozygote individual with tumoral calcinosis (PMID: 27867679). (I) Legend: (SP) - Supporting pathogenic, (I) - Information, (SB) - Supporting benign

Eurofins Ntd Llc (ga)
Classification: Likely pathogenic. Last evaluated: 2016-11-03. Review status: criteria provided, single submitter. Criteria: EGL Classification Definitions 2015. Collection method: clinical testing. Allele origin: germline. Observed: 2 variant alleles, 2 heterozygotes.

Literature cited by the submitters: PubMed 15133511 (cited by Labcorp Genetics (formerly Invitae), Labcorp); PubMed 20358599 (cited by Labcorp Genetics (formerly Invitae), Labcorp and Victorian Clinical Genetics Services, Murdoch Childrens Research Institute); PubMed 27164190 (cited by Labcorp Genetics (formerly Invitae), Labcorp); PubMed 27867679 (cited by Victorian Clinical Genetics Services, Murdoch Childrens Research Institute).

NM_004482.4(GALNT3):c.892del (p.Tyr298fs)

Gene: GALNT3 (polypeptide N-acetylgalactosaminyltransferase 3; minus strand). Cytogenetic location: 2q24.3.
Variant type: Deletion.
Coding change: c.892del on transcript NM_004482.4 (MANE Select); coding-DNA position 892, one base deleted (T; older notation c.892delT).
Protein change: p.Tyr298fs; shifts the reading frame from tyrosine 298.
Molecular consequence: frameshift variant.
Genome position (GRCh38, 1-based): chr2:165,759,517, A deleted on the plus strand (T on the coding strand, the reverse complement: GALNT3 is on the minus strand). VCF-style (leftmost placement, unchanged base first): chr2-165759516-TA-T. GRCh37 (hg19) VCF-style: chr2-166616026-TA-T.
Other names: short protein forms Y298fs.
Identifiers: ClinVar variation 497358 (VCV000497358.15), dbSNP rs762936774, ClinGen allele CA59748679.